The following is an entry in ClinVar:

ClinVar aggregate classification (germline): Likely benign (1 of 4 stars; one submission).

Allele frequency attached by ClinVar (database versions not stated): TOPMed 0.00001; gnomAD 0.00001.
gnomAD v4.1: 1 of 1,614,074 alleles (0.000062%); highest among the groups gnomAD compares: African/African-American, 0.0013%; no homozygotes.

Submission:

GeneDx
Classification: Likely benign. Last evaluated: 2018-03-12. Review status: criteria provided, single submitter. Criteria: GeneDx Variant Classification (06012015). Collection method: clinical testing. Allele origin: germline. Affected: yes.
Comment: This variant is considered likely benign or benign based on one or more of the following criteria: it is a conservative change, it occurs at a poorly conserved position in the protein, it is predicted to be benign by multiple in silico algorithms, and/or has population frequency not consistent with disease.

NM_152269.5(MTRFR):c.162C>A (p.Ser54=)

Gene: MTRFR (mitochondrial translation release factor in rescue; plus strand). Cytogenetic location: 12q24.31.
Variant type: single nucleotide variant.
Coding change: c.162C>A on transcript NM_152269.5 (MANE Select); coding-DNA position 162, C replaced by A.
Protein change: p.Ser54=; no amino-acid change (serine 54 retained).
Molecular consequence: synonymous variant.
Genome position (GRCh38, 1-based): chr12:123,253,836, C>A. VCF-style: chr12-123253836-C-A. GRCh37 (hg19) VCF-style: chr12-123738383-C-A.
Other names: c.162C>A, p.Ser54= (NM_001143905.2, NM_001194995.1).
Identifiers: ClinVar variation 517073 (VCV000517073.1), dbSNP rs1555237925, ClinGen allele CA482450187.